The following is an entry in ClinVar:

NM_033056.4(PCDH15):c.5599A>G (p.Thr1867Ala)

Gene: PCDH15 (protocadherin related 15; minus strand). Cytogenetic location: 10q21.1.
Variant type: single nucleotide variant.
Coding change: c.5599A>G on transcript NM_033056.4 (MANE Plus Clinical); coding-DNA position 5599, A replaced by G.
Protein change: p.Thr1867Ala; replaces threonine 1867 with alanine.
Molecular consequence: missense variant. On other transcripts: intron variant (8).
Genome position (GRCh38, 1-based): chr10:53,822,127, T>C on the plus strand (A>G on the coding strand, the complement: PCDH15 is on the minus strand). VCF-style: chr10-53822127-T-C. GRCh37 (hg19) VCF-style: chr10-55581887-T-C.
Other names: c.5620A>G, p.Thr1874Ala (NM_001142763.2); c.5605A>G, p.Thr1869Ala (NM_001142764.2); c.5392A>G, p.Thr1798Ala (NM_001142765.2); c.5590A>G, p.Thr1864Ala (NM_001142766.2); c.5479A>G, p.Thr1827Ala (NM_001142767.2); c.5539A>G, p.Thr1847Ala (NM_001142768.2); c.5530A>G, p.Thr1844Ala (NM_001142773.2); c.5533A>G, p.Thr1845Ala (NM_001354404.2); and 8 more; short protein forms T1844A, T1845A, T1847A, T1864A, T1867A, T1869A, T1874A, T1798A.
Identifiers: ClinVar variation 989771 (VCV000989771.8), dbSNP rs1420803454, ClinGen allele CA376524625.

ClinVar aggregate classification (germline): Uncertain significance. Review status: criteria provided, multiple submitters, no conflicts (2 of 4 stars). 3 submissions from 3 submitters: Uncertain significance (2). 1 of the submissions does not count toward it. Last evaluated 2022-06-30.

Conditions:
Usher syndrome type 1F (USH1F). Also called: USHER SYNDROME, TYPE IF. Identifiers: Orphanet 231169, Orphanet 886, MedGen C1865885, MONDO:0011186, OMIM 602083.

Allele frequency attached by ClinVar (database versions not stated): TOPMed 0.00002; gnomAD 0.00001.
gnomAD v4.1: 5 of 1,613,216 alleles (0.00031%); highest among the groups gnomAD compares: Admixed American, 0.0067%; no homozygotes.

Submissions (3):

Labcorp Genetics (formerly Invitae), Labcorp
Classification: Uncertain significance. Last evaluated: 2022-06-30. Review status: criteria provided, single submitter. Criteria: Invitae Variant Classification Sherloc (09022015). Collection method: clinical testing. Allele origin: germline.
Comment: This sequence change replaces threonine, which is neutral and polar, with alanine, which is neutral and non-polar, at codon 1867 of the PCDH15 protein (p.Thr1867Ala). This variant is present in population databases (no rsID available, gnomAD 0.009%). This variant has not been reported in the literature in individuals affected with PCDH15-related conditions. ClinVar contains an entry for this variant (Variation ID: 989771). Algorithms developed to predict the effect of missense changes on protein structure and function output the following: SIFT: "Tolerated"; PolyPhen-2: "Not Available"; Align-GVGD: "Class C0". The alanine amino acid residue is found in multiple mammalian species, which suggests that this missense change does not adversely affect protein function. In summary, the available evidence is currently insufficient to determine the role of this variant in disease. Therefore, it has been classified as a Variant of Uncertain Significance.

GeneDx
Classification: Uncertain significance. Last evaluated: 2022-06-10. Review status: criteria provided, single submitter. Criteria: GeneDx Variant Classification Process June 2021. Collection method: clinical testing. Allele origin: germline. Affected: yes.
Comment: In silico analysis supports that this missense variant does not alter protein structure/function; Has not been previously published as pathogenic or benign to our knowledge

Natera, Inc.
Classification: Uncertain significance for Usher syndrome type 1F. Last evaluated: 2020-04-13. Review status: no assertion criteria provided. Collection method: clinical testing. Allele origin: germline. Not counted in ClinVar's aggregate classification.